The following is an entry in ClinVar:

ClinVar aggregate classification (germline): Likely pathogenic (1 of 4 stars; one submission).

Conditions:
Hereditary factor IX deficiency disease (HEMB). Also called: Hemophilia B; F9 DEFICIENCY; FACTOR IX DEFICIENCY; PLASMA THROMBOPLASTIN COMPONENT DEFICIENCY; Christmas Disease. Identifiers: Orphanet 98879, MedGen C0008533, MeSH D002836, MONDO:0010604, OMIM 306900.
Thrombophilia, X-linked, due to factor 9 defect. Identifiers: MedGen C2749016, MONDO:0010432, OMIM 300807.

Submission:

Labcorp Genetics (formerly Invitae), Labcorp
Classification: Likely pathogenic for Thrombophilia, X-linked, due to factor 9 defect; Hereditary factor IX deficiency disease. Last evaluated: 2025-12-01. Review status: criteria provided, single submitter. Criteria: Invitae Variant Classification Sherloc (09022015). Collection method: clinical testing. Allele origin: germline.
Comment: This sequence change replaces proline, which is neutral and non-polar, with glutamine, which is neutral and polar, at codon 101 of the F9 protein (p.Pro101Gln). This variant is not present in population databases (gnomAD no frequency). This missense change has been observed in individuals with hemophilia B (PMID: 7937052; internal data). This variant is also known as P55Q. ClinVar contains an entry for this variant (Variation ID: 1067340). Invitae Evidence Modeling of protein sequence and biophysical properties (such as structural, functional, and spatial information, amino acid conservation, physicochemical variation, residue mobility, and thermodynamic stability) indicates that this missense variant is not expected to disrupt F9 protein function with a negative predictive value of 80%. This variant disrupts the p.Pro101 amino acid residue in F9. Other variant(s) that disrupt this residue have been determined to be pathogenic (PMID: 2066105, 2743975, 19699296, 24375831). This suggests that this residue is clinically significant, and that variants that disrupt this residue are likely to be disease-causing. In summary, the currently available evidence indicates that the variant is pathogenic, but additional data are needed to prove that conclusively. Therefore, this variant has been classified as Likely Pathogenic.

Literature cited by the submitters: PubMed 7937052; PubMed 2066105; PubMed 2743975; PubMed 19699296; PubMed 24375831.

NM_000133.4(F9):c.302C>A (p.Pro101Gln)

Gene: F9 (coagulation factor IX; plus strand). Cytogenetic location: Xq27.1.
Variant type: single nucleotide variant.
Coding change: c.302C>A on transcript NM_000133.4 (MANE Select); coding-DNA position 302, C replaced by A.
Protein change: p.Pro101Gln; replaces proline 101 with glutamine.
Molecular consequence: missense variant. On other transcripts: intron variant (1).
Genome position (GRCh38, 1-based): chrX:139,541,100, C>A. VCF-style: chrX-139541100-C-A. GRCh37 (hg19) VCF-style: chrX-138623259-C-A.
Other names: c.277+3714C>A (NM_001313913.2); short protein forms P101Q.
Identifiers: ClinVar variation 1067340 (VCV001067340.9), dbSNP rs2148357901, ClinGen allele CA414437415.